The following is an entry in ClinVar:

NM_001048174.2(MUTYH):c.911G>A (p.Cys304Tyr)

Gene: MUTYH (mutY DNA glycosylase; minus strand). Cytogenetic location: 1p34.1.
Variant type: single nucleotide variant.
Coding change: c.911G>A on transcript NM_001048174.2 (MANE Select); coding-DNA position 911, G replaced by A.
Protein change: p.Cys304Tyr; replaces cysteine 304 with tyrosine.
Molecular consequence: missense variant. On other transcripts: non-coding transcript variant (2).
Genome position (GRCh38, 1-based): chr1:45,332,025, C>T on the plus strand (G>A on the coding strand, the complement: MUTYH is on the minus strand). VCF-style: chr1-45332025-C-T. GRCh37 (hg19) VCF-style: chr1-45797697-C-T.
Other names: c.911G>A, p.Cys304Tyr (NM_001048171.2, NM_001048173.2, NM_001293195.2); c.914G>A, p.Cys305Tyr (NM_001048172.2); c.995G>A, p.Cys332Tyr (NM_001128425.2); c.956G>A, p.Cys319Tyr (NM_001293190.2); c.944G>A, p.Cys315Tyr (NM_001293191.2); c.635G>A, p.Cys212Tyr (NM_001293192.2, NM_001293196.2); c.566G>A, p.Cys189Tyr (NM_001350650.2, NM_001350651.2); c.986G>A, p.Cys329Tyr (NM_012222.3); short protein forms C332Y, C189Y, C212Y, C304Y, C319Y, C329Y, C305Y, C315Y.
Identifiers: ClinVar variation 481814 (VCV000481814.14), dbSNP rs1553127256, ClinGen allele CA340134006.
Genomic context (GRCh38, chr1:45,332,025, plus strand): 5'-AATGGGGCTTCTGACTGGGCCAGGAAGGGTTGGGGTGGGGGCTAGGTTTGGTGCTCACCA[C>T]ACTCCTCCACGTCAGGACTGCCCGACAGGCTCCCTGAGGCTAAGAGCTGTTCCTGCTCCA-3'
Protein context (NP_001041639.1, residues 294-314): SLSGSPDVEE[Cys304Tyr]APNTGQCHLC

ClinVar aggregate classification (germline): Uncertain significance. Review status: criteria provided, multiple submitters, no conflicts (2 of 4 stars). 3 submissions from 3 submitters: Uncertain significance (3). Last evaluated 2025-02-17.

Conditions:
Familial adenomatous polyposis 2. Also called: COLORECTAL ADENOMATOUS POLYPOSIS, AUTOSOMAL RECESSIVE; MUTYH-related attenuated familial adenomatous polyposis; Adenomas, multiple colorectal; MUTYH-associated polyposis; MUTYH Polyposis; ADENOMAS, MULTIPLE COLORECTAL, AUTOSOMAL RECESSIVE. Identifiers: Orphanet 220460, Orphanet 247798, MedGen C3272841, MONDO:0012041, OMIM 608456.
Gastric cancer. Also called: Stomach cancer; Malignant tumor of stomach. Identifiers: MedGen C0024623, MeSH D013274, MONDO:0001056, OMIM 613659, HP:0012126.
Hereditary cancer-predisposing syndrome. Also called: Tumor predisposition; Hereditary neoplastic syndrome; Hereditary Cancer Syndrome; Neoplastic Syndromes, Hereditary. Identifiers: Orphanet 140162, MedGen C0027672, MeSH D009386, MONDO:0015356.

Allele frequency attached by ClinVar (database versions not stated): gnomAD exomes below 0.00001; gnomAD 0.00001.

Submissions (3):

Labcorp Genetics (formerly Invitae), Labcorp
Classification: Uncertain significance for Familial adenomatous polyposis 2. Last evaluated: 2025-02-17. Review status: criteria provided, single submitter. Criteria: Invitae Variant Classification Sherloc (09022015). Collection method: clinical testing. Allele origin: germline.
Comment: This sequence change replaces cysteine, which is neutral and slightly polar, with tyrosine, which is neutral and polar, at codon 332 of the MUTYH protein (p.Cys332Tyr). This variant is not present in population databases (gnomAD no frequency). This variant has not been reported in the literature in individuals affected with MUTYH-related conditions. ClinVar contains an entry for this variant (Variation ID: 481814). An algorithm developed to predict the effect of missense changes on protein structure and function (PolyPhen-2) suggests that this variant is likely to be disruptive. In summary, the available evidence is currently insufficient to determine the role of this variant in disease. Therefore, it has been classified as a Variant of Uncertain Significance.

Ambry Genetics
Classification: Uncertain significance for Hereditary cancer-predisposing syndrome. Last evaluated: 2024-01-19. Review status: criteria provided, single submitter. Criteria: Ambry Variant Classification Scheme 2023. Collection method: clinical testing. Allele origin: germline.
Comment: The p.C332Y variant (also known as c.995G>A), located in coding exon 11 of the MUTYH gene, results from a G to A substitution at nucleotide position 995. The cysteine at codon 332 is replaced by tyrosine, an amino acid with highly dissimilar properties. This variant was not reported in population based cohorts in the following databases: Database of Single Nucleotide Polymorphisms (dbSNP), NHLBI Exome Sequencing Project (ESP), and 1000 Genomes Project. In the ESP, this variant was not observed in 6503 samples (13006 alleles) with coverage at this position. To date, this alteration has been detected with an allele frequency of approximately 0.001% (greater than 200000 alleles tested) in our clinical cohort. This amino acid position is highly conserved in available vertebrate species. In addition, the in silico prediction for this alteration is inconclusive. Since supporting evidence is limited at this time, the clinical significance of this alteration remains unclear.

Department of Pathology and Laboratory Medicine, Sinai Health System
Classification: Uncertain significance for Familial adenomatous polyposis 2; Gastric cancer. Last evaluated: 2022-06-29. Review status: criteria provided, single submitter. Criteria: ACMG Guidelines, 2015. Collection method: clinical testing. Allele origin: germline.